The following is an entry in ClinVar:

ClinVar aggregate classification (germline): Uncertain significance. Review status: criteria provided, multiple submitters, no conflicts (2 of 4 stars). 2 submissions from 2 submitters: Uncertain significance (2). Last evaluated 2024-11-03.

Conditions:
Myopathy, proximal, and ophthalmoplegia (CMYO6). Also called: CONGENITAL MYOPATHY 6 WITH OPHTHALMOPLEGIA; MYOPATHY WITH CONGENITAL JOINT CONTRACTURES, OPHTHALMOPLEGIA, AND RIMMED VACUOLES; INCLUSION BODY MYOPATHY 3, AUTOSOMAL DOMINANT. Identifiers: Orphanet 363677, Orphanet 79091, MedGen C1854106, MONDO:0011577, OMIM 605637.

Allele frequency attached by ClinVar (database versions not stated): gnomAD 0.00001 and 0.00002; gnomAD exomes 0.00002; ExAC 0.00003.
gnomAD v4.1: 34 of 1,614,048 alleles (0.0021%); highest among the groups gnomAD compares: South Asian, 0.0055%; no homozygotes.

Submissions (2):

Labcorp Genetics (formerly Invitae), Labcorp
Classification: Uncertain significance for Myopathy, proximal, and ophthalmoplegia. Last evaluated: 2024-11-03. Review status: criteria provided, single submitter. Criteria: Invitae Variant Classification Sherloc (09022015). Collection method: clinical testing. Allele origin: germline.
Comment: This sequence change replaces valine, which is neutral and non-polar, with methionine, which is neutral and non-polar, at codon 498 of the MYH2 protein (p.Val498Met). This variant is present in population databases (rs374726398, gnomAD 0.008%). This variant has not been reported in the literature in individuals affected with MYH2-related conditions. ClinVar contains an entry for this variant (Variation ID: 857269). Invitae Evidence Modeling of protein sequence and biophysical properties (such as structural, functional, and spatial information, amino acid conservation, physicochemical variation, residue mobility, and thermodynamic stability) indicates that this missense variant is expected to disrupt MYH2 protein function with a positive predictive value of 80%. In summary, the available evidence is currently insufficient to determine the role of this variant in disease. Therefore, it has been classified as a Variant of Uncertain Significance.

Revvity Omics, Revvity
Classification: Uncertain significance for Myopathy, proximal, and ophthalmoplegia. Last evaluated: 2019-06-25. Review status: criteria provided, single submitter. Criteria: ACMG Guidelines, 2015. Collection method: clinical testing. Allele origin: germline.

NM_017534.6(MYH2):c.1492G>A (p.Val498Met)

Genes: MYH2 (myosin heavy chain 2; minus strand), MYHAS (myosin heavy chain gene cluster antisense RNA; plus strand). Cytogenetic location: 17p13.1.
Variant type: single nucleotide variant.
Coding change: c.1492G>A on transcript NM_017534.6 (MANE Select); coding-DNA position 1492, G replaced by A.
Protein change: p.Val498Met; replaces valine 498 with methionine.
Molecular consequence: missense variant.
Genome position (GRCh38, 1-based): chr17:10,537,760, C>T on the plus strand (G>A on the coding strand, the complement: MYH2 is on the minus strand). VCF-style: chr17-10537760-C-T. GRCh37 (hg19) VCF-style: chr17-10441077-C-T.
Other names: c.1492G>A, p.Val498Met (NM_001100112.2); short protein forms V498M.
Identifiers: ClinVar variation 857269 (VCV000857269.9), dbSNP rs374726398, ClinGen allele CA8391358.